The following is an entry in ClinVar:

NM_032242.4(PLXNA1):c.4918A>G (p.Thr1640Ala)

Gene: PLXNA1 (plexin A1; plus strand). Cytogenetic location: 3q21.3.
Variant type: single nucleotide variant.
Coding change: c.4918A>G on transcript NM_032242.4 (MANE Select); coding-DNA position 4918, A replaced by G.
Protein change: p.Thr1640Ala; replaces threonine 1640 with alanine.
Molecular consequence: missense variant.
Genome position (GRCh38, 1-based): chr3:127,029,921, A>G. VCF-style: chr3-127029921-A-G. GRCh37 (hg19) VCF-style: chr3-126748764-A-G.
Other names: short protein forms T1640A.
Identifiers: ClinVar variation 3357926 (VCV003357926.1).

ClinVar aggregate classification (germline): Uncertain significance (0 of 4 stars; one submission).

Conditions:
PLXNA1-related disorder. Also called: PLXNA1-related condition.

Submission:

PreventionGenetics, part of Exact Sciences
Classification: Uncertain significance for PLXNA1-related condition. Last evaluated: 2024-04-25. Review status: no assertion criteria provided. Collection method: clinical testing. Allele origin: germline.
Comment: The PLXNA1 c.4918A>G variant is predicted to result in the amino acid substitution p.Thr1640Ala. To our knowledge, this variant has not been reported in the literature or in a large population database, indicating this variant is rare. At this time, the clinical significance of this variant is uncertain due to the absence of conclusive functional and genetic evidence.